The following is an entry in ClinVar:

NM_014844.5(TECPR2):c.978C>T (p.Ser326=)

Gene: TECPR2 (tectonin beta-propeller repeat containing 2; plus strand). Cytogenetic location: 14q32.31.
Variant type: single nucleotide variant.
Coding change: c.978C>T on transcript NM_014844.5 (MANE Select); coding-DNA position 978, C replaced by T.
Protein change: p.Ser326=; no amino-acid change (serine 326 retained).
Molecular consequence: synonymous variant.
Genome position (GRCh38, 1-based): chr14:102,428,276, C>T. VCF-style: chr14-102428276-C-T. GRCh37 (hg19) VCF-style: chr14-102894613-C-T.
Other names: c.978C>T, p.Ser326= (NM_001172631.3); c.978C>T (NM_014844.4).
Identifiers: ClinVar variation 696624 (VCV000696624.17), dbSNP rs142082203, ClinGen allele CA7357612.

ClinVar aggregate classification (germline): Likely benign. Review status: criteria provided, multiple submitters, no conflicts (2 of 4 stars). 5 submissions from 5 submitters: Likely benign (3). 2 of the submissions do not count toward it. Last evaluated 2026-01-14.

Conditions:
Hereditary spastic paraplegia 49 (HSAN9). Also called: Spastic paraplegia 49, autosomal recessive; TECPR2-Related Hereditary Sensory and Autonomic Neuropathy with Intellectual Disability; NEUROPATHY, HEREDITARY SENSORY AND AUTONOMIC, TYPE IX, WITH DEVELOPMENTAL DELAY. Identifiers: Orphanet 320385, MedGen C5190860, MONDO:0014016, OMIM 615031.
TECPR2-related disorder. Also called: TECPR2-related condition.

Allele frequency attached by ClinVar (database versions not stated): gnomAD exomes 0.00011 and 0.00046; ExAC 0.00024; gnomAD 0.00025 and 0.00026; ESP Exome Variant Server 0.00069.
gnomAD v4.1: 673 of 1,566,432 alleles (0.043%); highest among the groups gnomAD compares: Non-Finnish European, 0.055%; no homozygotes.

Submissions (5):

Labcorp Genetics (formerly Invitae), Labcorp
Classification: Likely benign for Hereditary spastic paraplegia 49. Last evaluated: 2026-01-14. Review status: criteria provided, single submitter. Criteria: Invitae Variant Classification Sherloc (09022015). Collection method: clinical testing. Allele origin: germline.

Women's Health and Genetics/Laboratory Corporation of America, LabCorp
Classification: Likely benign. Last evaluated: 2025-03-19. Review status: criteria provided, single submitter. Criteria: LabCorp Variant Classification Summary - May 2015. Collection method: clinical testing. Allele origin: germline.

Blueprint Genetics
Classification: Likely benign. Last evaluated: 2023-12-19. Review status: criteria provided, single submitter. Criteria: ACMG Guidelines, 2015. Collection method: clinical testing. Allele origin: germline.

Natera, Inc.
Classification: Uncertain significance for Autosomal recessive spastic paraplegia type 49. Last evaluated: 2020-04-16. Review status: no assertion criteria provided. Collection method: clinical testing. Allele origin: germline. Not counted in ClinVar's aggregate classification.

PreventionGenetics, part of Exact Sciences
Classification: Likely benign for TECPR2-related condition. Last evaluated: 2019-07-26. Review status: no assertion criteria provided. Collection method: clinical testing. Allele origin: germline. Not counted in ClinVar's aggregate classification.
Comment: This variant is classified as likely benign based on ACMG/AMP sequence variant interpretation guidelines (Richards et al. 2015 PMID: 25741868, with internal and published modifications).